The following is an entry in ClinVar:

ClinVar aggregate classification (germline): Uncertain significance (1 of 4 stars; one submission).

Conditions:
Hypotonia, infantile, with psychomotor retardation and characteristic facies 2 (IHPRF2). Also called: UNC80 Deficiency. Identifiers: Orphanet 371364, Orphanet 700333, MedGen C4225203, MONDO:0014777, OMIM 616801.

Allele frequency attached by ClinVar (database versions not stated): ExAC 0.00004.
gnomAD v4.1: 3 of 1,551,810 alleles (0.00019%); highest among the groups gnomAD compares: South Asian, 0.0024%; no homozygotes.

Submission:

Neuberg Centre For Genomic Medicine, NCGM
Classification: Uncertain significance for Hypotonia, infantile, with psychomotor retardation and characteristic facies 2. Review status: criteria provided, single submitter. Criteria: ACMG Guidelines, 2015. Collection method: clinical testing. Allele origin: germline. Inheritance: Autosomal recessive inheritance. Affected: yes.
Comment: The observed missense variant c.9922A>G (p.Thr3308Ala) in UNC80 gene has not been reported previously as a pathogenic variant nor as a benign variant, to our knowledge. The p.Thr3308Ala variant is absent in gnomAD Exomes database. This variant has not been submitted to the ClinVar database. The amino acid change p.Thr3308Ala in UNC80 is predicted as conserved by GERP++ and PhyloP across 100 vertebrates. The amino acid Thr at position 3308 is changed to a Ala changing protein sequence and it might alter its composition and physico-chemical properties. Computational evidence predicts no damaging effect on protein structure and function for this variant (Polyphen - benign; Sift - tolerated; Mutation Taster - polmorphism). For these reasons, this variant has been classified as a Variant of Uncertain Significance (VUS).

NM_001371986.1(UNC80):c.4646A>G (p.His1549Arg)

Gene: UNC80 (unc-80 subunit of NALCN channel complex; plus strand). Cytogenetic location: 2q34.
Variant type: single nucleotide variant.
Coding change: c.4646A>G on transcript NM_001371986.1 (MANE Select); coding-DNA position 4646, A replaced by G.
Protein change: p.His1549Arg; replaces histidine 1549 with arginine.
Molecular consequence: missense variant.
Genome position (GRCh38, 1-based): chr2:209,904,829, A>G. VCF-style: chr2-209904829-A-G. GRCh37 (hg19) VCF-style: chr2-210769553-A-G.
Other names: c.4448A>G, p.His1483Arg (NM_032504.2); c.4433A>G, p.His1478Arg (NM_182587.4); short protein forms H1478R, H1483R, H1549R.
Identifiers: ClinVar variation 3242143 (VCV003242143.1), dbSNP rs745948552.